The following is an entry in ClinVar:

ClinVar aggregate classification (germline): Uncertain significance (1 of 4 stars; one submission).

gnomAD v4.1: 8 of 1,604,720 alleles (0.0005%); highest among the groups gnomAD compares: African/African-American, 0.0027%; no homozygotes.

Submission:

Ambry Genetics
Classification: Uncertain significance. Last evaluated: 2025-02-14. Review status: criteria provided, single submitter. Criteria: Ambry Variant Classification Scheme 2023. Collection method: clinical testing. Allele origin: germline.
Comment: The p.S1051L variant (also known as c.3152C>T), located in coding exon 12 of the WNK2 gene, results from a C to T substitution at nucleotide position 3152. The serine at codon 1051 is replaced by leucine, an amino acid with dissimilar properties. This amino acid position is conserved. In addition, the in silico prediction for this alteration is inconclusive. Based on the available evidence, the clinical significance of this variant remains unclear.

NM_006648.4(WNK2):c.3152C>T (p.Ser1051Leu)

Gene: WNK2 (WNK lysine deficient protein kinase 2; plus strand). Cytogenetic location: 9q22.31.
Variant type: single nucleotide variant.
Coding change: c.3152C>T on transcript NM_006648.4 (MANE Select); coding-DNA position 3152, C replaced by T.
Protein change: p.Ser1051Leu; replaces serine 1051 with leucine.
Molecular consequence: missense variant.
Genome position (GRCh38, 1-based): chr9:93,261,899, C>T. VCF-style: chr9-93261899-C-T. GRCh37 (hg19) VCF-style: chr9-96024181-C-T.
Other names: c.3152C>T, p.Ser1051Leu (NM_001282394.3); short protein forms S1051L.
Identifiers: ClinVar variation 3817078 (VCV003817078.1).